The following is an entry in ClinVar:

ClinVar aggregate classification (germline): Uncertain significance. Review status: criteria provided, multiple submitters, no conflicts (2 of 4 stars). 2 submissions from 2 submitters: Uncertain significance (2). Last evaluated 2023-05-08.

Allele frequency attached by ClinVar (database versions not stated): gnomAD exomes 0.00001 and 0.00007; gnomAD 0.00009; TOPMed 0.00009; ESP Exome Variant Server 0.00017; ExAC 0.00026.

Submissions (2):

Labcorp Genetics (formerly Invitae), Labcorp
Classification: Uncertain significance. Last evaluated: 2023-05-08. Review status: criteria provided, single submitter. Criteria: Invitae Variant Classification Sherloc (09022015). Collection method: clinical testing. Allele origin: germline.
Comment: In summary, the available evidence is currently insufficient to determine the role of this variant in disease. Therefore, it has been classified as a Variant of Uncertain Significance. Algorithms developed to predict the effect of missense changes on protein structure and function output the following: SIFT: "Not Available"; PolyPhen-2: "Probably Damaging"; Align-GVGD: "Not Available". The glutamine amino acid residue is found in multiple mammalian species, which suggests that this missense change does not adversely affect protein function. ClinVar contains an entry for this variant (Variation ID: 1037690). This variant has not been reported in the literature in individuals affected with CARMIL2-related conditions. This variant is present in population databases (rs368402718, gnomAD 0.04%). This sequence change replaces arginine, which is basic and polar, with glutamine, which is neutral and polar, at codon 1359 of the CARMIL2 protein (p.Arg1359Gln).

GeneDx
Classification: Uncertain significance. Last evaluated: 2019-08-28. Review status: criteria provided, single submitter. Criteria: GeneDx Variant Classification Process June 2021. Collection method: clinical testing. Allele origin: germline. Affected: yes.
Comment: In silico analysis, which includes protein predictors and evolutionary conservation, supports that this variant does not alter protein structure/function; Has not been previously published as pathogenic or benign to our knowledge

NM_001013838.3(CARMIL2):c.4076G>A (p.Arg1359Gln)

Gene: CARMIL2 (capping protein regulator and myosin 1 linker 2; plus strand). Cytogenetic location: 16q22.1.
Variant type: single nucleotide variant.
Coding change: c.4076G>A on transcript NM_001013838.3 (MANE Select); coding-DNA position 4076, G replaced by A.
Protein change: p.Arg1359Gln; replaces arginine 1359 with glutamine.
Molecular consequence: missense variant. On other transcripts: intron variant (1).
Genome position (GRCh38, 1-based): chr16:67,656,840, G>A. VCF-style: chr16-67656840-G-A. GRCh37 (hg19) VCF-style: chr16-67690743-G-A.
Other names: c.3928+195G>A (NM_001317026.3); short protein forms R1359Q.
Identifiers: ClinVar variation 1037690 (VCV001037690.8), dbSNP rs368402718, ClinGen allele CA8114253.